The following is an entry in ClinVar:

NM_001374675.1(HSF4):c.117_123+3del

Gene: HSF4 (heat shock transcription factor 4; plus strand). Cytogenetic location: 16q22.1.
Variant type: Deletion.
Coding change: c.117_123+3del on transcript NM_001374675.1 (MANE Select); coding-DNA position 117 through 3 bases into the intron after coding-DNA position 123, 10 bases deleted (GAGCCCGGTG; older notation c.117_123+3delGAGCCCGGTG).
Molecular consequence: splice donor variant.
Genome position (GRCh38, 1-based): chr16:67,164,928-67,164,937, GAGCCCGGTG deleted; deleting any 10 consecutive bases within chr16:67,164,926-67,164,937 gives the same sequence; the c. name uses the placement nearest the transcript's 3' end. VCF-style (leftmost placement, unchanged base first): chr16-67164925-CTGGAGCCCGG-C. GRCh37 (hg19) VCF-style: chr16-67198828-CTGGAGCCCGG-C.
Other names: c.117_123+3del (NM_001538.4, NM_001040667.3, NM_001374674.1).
Identifiers: ClinVar variation 3727898 (VCV003727898.2).

ClinVar aggregate classification (germline): Likely pathogenic (1 of 4 stars; one submission).

Conditions:
Cataract 5 multiple types (CTRCT5). Also called: CATARACT 5, LAMELLAR; Lamellar cataract; CATARACT, MARNER TYPE. Identifiers: Orphanet 91492, MedGen C0266537, MONDO:0007290, OMIM 116800, HP:0007971.

Submission:

Labcorp Genetics (formerly Invitae), Labcorp
Classification: Likely pathogenic for Cataract 5 multiple types. Last evaluated: 2025-01-12. Review status: criteria provided, single submitter. Criteria: Invitae Variant Classification Sherloc (09022015). Collection method: clinical testing. Allele origin: germline.
Comment: This variant results in the deletion of part of exon 3 (c.117_123+3del) of the HSF4 gene. It is expected to disrupt RNA splicing. Variants that disrupt the donor or acceptor splice site typically lead to a loss of protein function (PMID: 16199547), and loss-of-function variants in HSF4 are known to be pathogenic (PMID: 15959809). This variant is not present in population databases (gnomAD no frequency). This variant has not been reported in the literature in individuals affected with HSF4-related conditions. In summary, the currently available evidence indicates that the variant is pathogenic, but additional data are needed to prove that conclusively. Therefore, this variant has been classified as Likely Pathogenic.

Literature cited by the submitters: PubMed 16199547; PubMed 15959809.